The following is an entry in ClinVar:

ClinVar aggregate classification (germline): Conflicting classifications of pathogenicity. Review status: criteria provided, conflicting classifications (1 of 4 stars). 2 submissions from 2 submitters: Uncertain significance (1); Benign (1). Last evaluated 2025-06-22.

Conditions:
Intellectual developmental disorder, autosomal dominant 6, with or without seizures. Also called: GRIN2B-related developmental delay, intellectual disability and autism spectrum disorder; Intellectual disability, autosomal dominant 6. Identifiers: Orphanet 589547, MedGen C3151411, MONDO:0013509, OMIM 613970.
Developmental and epileptic encephalopathy, 27 (DEE27). Also called: GRIN2B-Related Neurodevelopmental Disorder; Epileptic encephalopathy, early infantile, 27. Identifiers: Orphanet 3451, MedGen C4015316, MONDO:0014505, OMIM 616139.

Allele frequency attached by ClinVar (database versions not stated): TOPMed 0.00002; gnomAD 0.00004 and 0.00003; gnomAD exomes 0.00001 and 0.00004; ExAC 0.00002.
gnomAD v4.1: 64 of 1,614,100 alleles (0.004%); highest among the groups gnomAD compares: Non-Finnish European, 0.0053%; no homozygotes.

Submissions (2):

Labcorp Genetics (formerly Invitae), Labcorp
Classification: Benign for Developmental and epileptic encephalopathy, 27; Intellectual developmental disorder, autosomal dominant 6, with or without seizures. Last evaluated: 2025-06-22. Review status: criteria provided, single submitter. Criteria: Invitae Variant Classification Sherloc (09022015). Collection method: clinical testing. Allele origin: germline.

GeneDx
Classification: Uncertain significance. Last evaluated: 2019-06-18. Review status: criteria provided, single submitter. Criteria: GeneDx Variant Classification Process June 2021. Collection method: clinical testing. Allele origin: germline. Affected: yes.
Comment: Has not been previously published as pathogenic or benign to our knowledge; In silico analysis, which includes protein predictors and evolutionary conservation, supports that this variant does not alter protein structure/function

NM_000834.5(GRIN2B):c.4041C>A (p.Ser1347Arg)

Gene: GRIN2B (glutamate ionotropic receptor NMDA type subunit 2B; minus strand). Cytogenetic location: 12p13.1.
Variant type: single nucleotide variant.
Coding change: c.4041C>A on transcript NM_000834.5 (MANE Select); coding-DNA position 4041, C replaced by A.
Protein change: p.Ser1347Arg; replaces serine 1347 with arginine.
Molecular consequence: missense variant.
Genome position (GRCh38, 1-based): chr12:13,563,197, G>T on the plus strand (C>A on the coding strand, the complement: GRIN2B is on the minus strand). VCF-style: chr12-13563197-G-T. GRCh37 (hg19) VCF-style: chr12-13716131-G-T.
Other names: short protein forms S1347R.
Identifiers: ClinVar variation 307738 (VCV000307738.10), dbSNP rs769147604, ClinGen allele CA6460795.